The following is an entry in ClinVar:

NM_002834.5(PTPN11):c.487G>A (p.Gly163Ser)

Gene: PTPN11 (protein tyrosine phosphatase non-receptor type 11; plus strand). Cytogenetic location: 12q24.13.
Variant type: single nucleotide variant.
Coding change: c.487G>A on transcript NM_002834.5 (MANE Select); coding-DNA position 487, G replaced by A.
Protein change: p.Gly163Ser; replaces glycine 163 with serine.
Molecular consequence: missense variant.
Genome position (GRCh38, 1-based): chr12:112,453,349, G>A. VCF-style: chr12-112453349-G-A. GRCh37 (hg19) VCF-style: chr12-112891153-G-A.
Other names: p.Gly163Ser; c.487G>A, p.Gly163Ser (NM_001330437.2, NM_080601.3); c.484G>A, p.Gly162Ser (NM_001374625.1); short protein forms G163S, G162S.
Identifiers: ClinVar variation 181497 (VCV000181497.14), dbSNP rs730880992, ClinGen allele CA297079.
Genomic context (GRCh38, chr12:112,453,349, plus strand): 5'-CACCCTGGAGATTTTGTTCTTTCTGTGCGCACTGGTGATGACAAAGGGGAGAGCAATGAC[G>A]GCAAGTCTAAAGTGACCCATGTTATGATTCGCTGTCAGGTAAATCTCCAGTTGAAAAATG-3'
Protein context (NP_002825.3, residues 153-173): TGDDKGESND[Gly163Ser]KSKVTHVMIR

ClinVar aggregate classification (germline): Conflicting classifications of pathogenicity. Review status: criteria provided, conflicting classifications (1 of 4 stars). 6 submissions from 6 submitters: Uncertain significance (4); Likely benign (1). 1 of the submissions does not count toward it. Last evaluated 2024-12-10.

Conditions:
Cardiovascular phenotype. Identifiers: MedGen CN230736.
RASopathy. Also called: rasopathies; Noonan spectrum disorder. Identifiers: Orphanet 536391, MedGen C5555857, MONDO:0021060.
Noonan syndrome (NS). Also called: Noonan's syndrome. Identifiers: Orphanet 648, MedGen C0028326, MeSH D009634, MONDO:0018997. Disease mechanism: gain of function.

Allele frequency attached by ClinVar (database versions not stated): ExAC 0.00002; gnomAD 0.00002; TOPMed 0.00002.
gnomAD v4.1: 54 of 1,613,922 alleles (0.0033%); highest among the groups gnomAD compares: African/African-American, 0.004%; no homozygotes.

Submissions (6):

Labcorp Genetics (formerly Invitae), Labcorp
Classification: Uncertain significance for RASopathy. Last evaluated: 2024-12-10. Review status: criteria provided, single submitter. Criteria: Invitae Variant Classification Sherloc (09022015). Collection method: clinical testing. Allele origin: germline.
Comment: This sequence change replaces glycine, which is neutral and non-polar, with serine, which is neutral and polar, at codon 163 of the PTPN11 protein (p.Gly163Ser). This variant is present in population databases (rs730880992, gnomAD 0.006%). This variant has not been reported in the literature in individuals affected with PTPN11-related conditions. ClinVar contains an entry for this variant (Variation ID: 181497). Invitae Evidence Modeling of protein sequence and biophysical properties (such as structural, functional, and spatial information, amino acid conservation, physicochemical variation, residue mobility, and thermodynamic stability) indicates that this missense variant is not expected to disrupt PTPN11 protein function with a negative predictive value of 95%. In summary, the available evidence is currently insufficient to determine the role of this variant in disease. Therefore, it has been classified as a Variant of Uncertain Significance.

Ambry Genetics
Classification: Uncertain significance for Cardiovascular phenotype. Last evaluated: 2024-10-14. Review status: criteria provided, single submitter. Criteria: Ambry Variant Classification Scheme 2023. Collection method: clinical testing. Allele origin: germline.
Comment: The p.G163S variant (also known as c.487G>A), located in coding exon 4 of the PTPN11 gene, results from a G to A substitution at nucleotide position 487. The glycine at codon 163 is replaced by serine, an amino acid with similar properties. This amino acid position is not well conserved in available vertebrate species. In addition, this alteration is predicted to be tolerated by in silico analysis. Since supporting evidence is limited at this time, the clinical significance of this alteration remains unclear.

Mayo Clinic Laboratories, Mayo Clinic
Classification: Uncertain significance. Last evaluated: 2023-05-31. Review status: criteria provided, single submitter. Criteria: ACMG Guidelines, 2015. Collection method: clinical testing. Allele origin: germline. Observed: 2 variant alleles.
Comment: BP4

Blueprint Genetics
Classification: Likely benign. Last evaluated: 2022-08-08. Review status: criteria provided, single submitter. Criteria: ACMG Guidelines, 2015. Collection method: clinical testing. Allele origin: germline.

GeneDx
Classification: Uncertain significance for Rasopathy. Last evaluated: 2014-09-04. Review status: criteria provided, single submitter. Criteria: GeneDx Variant Classification (06012015). Collection method: clinical testing. Allele origin: germline. Affected: yes.
Comment: The G163S variant in the PTPN11 gene has only been reported previously as a disease-causing mutation once in a dissertation, to our knowledge (Keren, 2006). This variant is a non-conservative amino acid substitution of a non-polar Glycine with a polar Serine at a residue in the SH2 domain of the protein that is conserved in most mammalian species. In silico analysis is inconclusive with regard to the effect the variant has on the protein structure/function. The G163S variant was not observed in approximately 6,500 individuals of European and African American ancestry in the NHLBI Exome Sequencing Project, indicating it is not a common benign variant in these populations. We interpret G163S as a variant, likely a mutation. The variant is found in CARDIOMYOPATHY panel(s).

Service de Génétique Moléculaire, Hôpital Robert Debré
Classification: Uncertain significance for Noonan syndrome. Review status: no assertion criteria provided. Collection method: clinical testing. Allele origin: unknown. Affected: yes. Not counted in ClinVar's aggregate classification.

Literature cited by the submitters: PubMed 32832832 (cited by Ambry Genetics).